The following is an entry in ClinVar:

ClinVar aggregate classification (germline): Uncertain significance (1 of 4 stars; one submission).

Submission:

CeGaT Center for Human Genetics Tuebingen
Classification: Uncertain significance. Last evaluated: 2026-05-01. Review status: criteria provided, single submitter. Criteria: CeGaT Center For Human Genetics Tuebingen Variant Classification Criteria Version 2. Collection method: clinical testing. Allele origin: germline. Affected: yes. Observed: 1 variant allele.
Comment: NBEA: PM2

NM_001385012.1(NBEA):c.1908A>C (p.Arg636Ser)

Gene: NBEA (neurobeachin; plus strand). Cytogenetic location: 13q13.3.
Variant type: single nucleotide variant.
Coding change: c.1908A>C on transcript NM_001385012.1 (MANE Select); coding-DNA position 1908, A replaced by C.
Protein change: p.Arg636Ser; replaces arginine 636 with serine.
Molecular consequence: missense variant.
Genome position (GRCh38, 1-based): chr13:35,110,884, A>C. VCF-style: chr13-35110884-A-C. GRCh37 (hg19) VCF-style: chr13-35685021-A-C.
Other names: c.1908A>C, p.Arg636Ser (NM_001379245.1, NM_015678.5); short protein forms R636S.
Identifiers: ClinVar variation 4874828 (VCV004874828.2).
Genomic context (GRCh38, chr13:35,110,884, plus strand): 5'-ATACACATATTTGTCTGCTGAATTTATTGGAACTGCTACCATCTACACCACCATACGCAG[A>C]GTAGGAACAGTATTACAGCTAATGCACACCTTAAAATATTACTACTGGGTTATTAATCCT-3'
Protein context (NP_001371941.1, residues 626-646): GTATIYTTIR[Arg636Ser]VGTVLQLMHT